The following is an entry in ClinVar:

NM_206965.2(FTCD):c.468C>T (p.Ala156=)

Genes: FTCD (formimidoyltransferase cyclodeaminase; minus strand), FTCD-AS1 (FTCD antisense RNA 1; plus strand). Cytogenetic location: 21q22.3.
Variant type: single nucleotide variant.
Coding change: c.468C>T on transcript NM_206965.2 (MANE Select); coding-DNA position 468, C replaced by T.
Protein change: p.Ala156=; no amino-acid change (alanine 156 retained).
Molecular consequence: synonymous variant. On other transcripts: non-coding transcript variant (1).
Genome position (GRCh38, 1-based): chr21:46,151,726, G>A on the plus strand (C>T on the coding strand, the complement: FTCD is on the minus strand). VCF-style: chr21-46151726-G-A. GRCh37 (hg19) VCF-style: chr21-47571640-G-A.
Other names: c.468C>T, p.Ala156= (NM_001320412.2, NM_006657.3).
Identifiers: ClinVar variation 2413591 (VCV002413591.6), dbSNP rs138762824, ClinGen allele CA10073862.

ClinVar aggregate classification (germline): Uncertain significance (1 of 4 stars; one submission).

Conditions:
Glutamate formiminotransferase deficiency. Also called: Arakawa syndrome 1; Formiminoglutamic aciduria. Identifiers: Orphanet 51208, MedGen C0268609, MONDO:0009240, OMIM 229100.

Allele frequency attached by ClinVar (database versions not stated): ExAC 0.00004; ESP Exome Variant Server 0.00008; 1000 Genomes Project 30x 0.00016; 1000 Genomes Project 0.00020.
gnomAD v4.1: 91 of 1,612,848 alleles (0.0056%); highest among the groups gnomAD compares: Middle Eastern, 0.12%; no homozygotes.

Submission:

Labcorp Genetics (formerly Invitae), Labcorp
Classification: Uncertain significance for Glutamate formiminotransferase deficiency. Last evaluated: 2024-10-17. Review status: criteria provided, single submitter. Criteria: Invitae Variant Classification Sherloc (09022015). Collection method: clinical testing. Allele origin: germline.
Comment: This sequence change affects codon 156 of the FTCD mRNA. It is a 'silent' change, meaning that it does not change the encoded amino acid sequence of the FTCD protein. This variant is present in population databases (rs138762824, gnomAD 0.03%). This variant has not been reported in the literature in individuals affected with FTCD-related conditions. ClinVar contains an entry for this variant (Variation ID: 2413591). Algorithms developed to predict the effect of sequence changes on RNA splicing suggest that this variant may create or strengthen a splice site. In summary, the available evidence is currently insufficient to determine the role of this variant in disease. Therefore, it has been classified as a Variant of Uncertain Significance.